The following is an entry in ClinVar:

NM_005045.4(RELN):c.9730G>A (p.Gly3244Ser)

Genes: SLC26A5-AS1 (SLC26A5 antisense RNA 1; plus strand), RELN (reelin; minus strand), LOC126860130 (BRD4-independent group 4 enhancer GRCh37_chr7:103130126-103131325; plus strand). Cytogenetic location: 7q22.1.
Variant type: single nucleotide variant.
Coding change: c.9730G>A on transcript NM_005045.4 (MANE Select); coding-DNA position 9730, G replaced by A.
Protein change: p.Gly3244Ser; replaces glycine 3244 with serine.
Molecular consequence: missense variant.
Genome position (GRCh38, 1-based): chr7:103,489,775, C>T on the plus strand (G>A on the coding strand, the complement: RELN is on the minus strand). VCF-style: chr7-103489775-C-T. GRCh37 (hg19) VCF-style: chr7-103130222-C-T.
Other names: c.9730G>A, p.Gly3244Ser (NM_173054.3); short protein forms G3244S.
Identifiers: ClinVar variation 130146 (VCV000130146.27), dbSNP rs73714410, ClinGen allele CA154949.

ClinVar aggregate classification (germline): Benign/Likely benign. Review status: criteria provided, multiple submitters, no conflicts (2 of 4 stars). 9 submissions from 9 submitters: Benign (3); Likely benign (5). 1 of the submissions does not count toward it. Last evaluated 2026-02-02.

Conditions:
Norman-Roberts syndrome (LIS2). Also called: Lissencephaly 2 (Norman-Roberts type). Identifiers: Orphanet 89844, MedGen C0796089, MONDO:0009760, OMIM 257320.
Epilepsy, familial temporal lobe, 1. Identifiers: Orphanet 101046, MedGen CN030884, MONDO:0700090, OMIM 600512.
Familial temporal lobe epilepsy 7. Identifiers: Orphanet 101046, MedGen C4225327, MONDO:0014639, OMIM 616436.

Allele frequency attached by ClinVar (database versions not stated): TOPMed 0.01344; ESP Exome Variant Server 0.01415; 1000 Genomes Project 30x 0.01437; 1000 Genomes Project 0.01478.
gnomAD v4.1: 3,553 of 1,614,080 alleles (0.22%); highest among the groups gnomAD compares: African/African-American, 4.1%; 50 homozygotes.

Submissions (9):

Labcorp Genetics (formerly Invitae), Labcorp
Classification: Benign for Familial temporal lobe epilepsy 7; Norman-Roberts syndrome. Last evaluated: 2026-02-02. Review status: criteria provided, single submitter. Criteria: Invitae Variant Classification Sherloc (09022015). Collection method: clinical testing. Allele origin: germline.

Blueprint Genetics
Classification: Likely benign. Last evaluated: 2024-11-13. Review status: criteria provided, single submitter. Criteria: ACMG Guidelines, 2015. Collection method: clinical testing. Allele origin: germline.

Fulgent Genetics
Classification: Likely benign for Norman-Roberts syndrome; Epilepsy, familial temporal lobe, 1; Familial temporal lobe epilepsy 7. Last evaluated: 2021-09-27. Review status: criteria provided, single submitter. Criteria: ACMG Guidelines, 2015. Collection method: clinical testing. Allele origin: unknown.

Athena Diagnostics
Classification: Benign. Last evaluated: 2019-05-24. Review status: criteria provided, single submitter. Criteria: Athena Diagnostics Criteria. Collection method: clinical testing. Allele origin: germline.

Illumina Laboratory Services, Illumina
Classification: Likely benign for Norman-Roberts syndrome. Last evaluated: 2017-04-28. Review status: criteria provided, single submitter. Criteria: ICSL Variant Classification Criteria 13 December 2019. Collection method: clinical testing. Allele origin: germline.
Comment: This variant was observed as part of a predisposition screen in an ostensibly healthy population. A literature search was performed for the gene, cDNA change, and amino acid change (where applicable). Publications were found based on this search. The evidence from the literature, in combination with allele frequency data from public databases where available, was sufficient to determine this variant is unlikely to cause disease. Therefore, this variant is classified as likely benign.

Center for Pediatric Genomic Medicine, Children's Mercy Hospital and Clinics
Classification: Likely benign. Last evaluated: 2017-04-19. Review status: criteria provided, single submitter. Criteria: ACMG Guidelines, 2015. Collection method: clinical testing. Allele origin: germline.

GeneDx
Classification: Benign. Last evaluated: 2015-09-23. Review status: criteria provided, single submitter. Criteria: GeneDx Variant Classification (06012015). Collection method: clinical testing. Allele origin: germline. Affected: yes.
Comment: This variant is considered likely benign or benign based on one or more of the following criteria: it is a conservative change, it occurs at a poorly conserved position in the protein, it is predicted to be benign by multiple in silico algorithms, and/or has population frequency not consistent with disease.

Breakthrough Genomics
Classification: Likely benign. Review status: criteria provided, single submitter. Criteria: ACMG Guidelines, 2015. Collection method: not provided. Allele origin: germline. Inheritance: Autosomal recessive inheritance. Affected: yes.

Genetic Services Laboratory, University of Chicago
Classification: Likely benign for AllHighlyPenetrant. Review status: no assertion criteria provided. Collection method: clinical testing. Allele origin: germline. Inheritance: Autosomal recessive inheritance. Not counted in ClinVar's aggregate classification.
Comment: Likely benign based on allele frequency in 1000 Genomes Project or ESP global frequency and its presence in a patient with a rare or unrelated disease phenotype. NOT Sanger confirmed.

Literature cited by the submitters: PubMed 30891068 (cited by Athena Diagnostics); PubMed 23287318 (cited by Athena Diagnostics and Illumina Laboratory Services, Illumina).